The following is an entry in ClinVar:

NM_004444.5(EPHB4):c.2164C>T (p.Arg722Trp)

Gene: EPHB4 (EPH receptor B4; minus strand). Cytogenetic location: 7q22.1.
Variant type: single nucleotide variant.
Coding change: c.2164C>T on transcript NM_004444.5 (MANE Select); coding-DNA position 2164, C replaced by T.
Protein change: p.Arg722Trp; replaces arginine 722 with tryptophan.
Molecular consequence: missense variant.
Genome position (GRCh38, 1-based): chr7:100,807,535, G>A on the plus strand (C>T on the coding strand, the complement: EPHB4 is on the minus strand). VCF-style: chr7-100807535-G-A. GRCh37 (hg19) VCF-style: chr7-100405157-G-A.
Other names: short protein forms R722W.
Identifiers: ClinVar variation 1678598 (VCV001678598.2), dbSNP rs927472085, ClinGen allele CA163276426.

ClinVar aggregate classification (germline): Uncertain significance (1 of 4 stars; one submission).

Conditions:
Capillary malformation-arteriovenous malformation 2 (CMAVM2). Identifiers: Orphanet 693912, MedGen C4748670, MONDO:0020785, OMIM 618196.

Allele frequency attached by ClinVar (database versions not stated): gnomAD exomes 0.00001; TOPMed below 0.00001.
gnomAD v4.1: 11 of 1,614,126 alleles (0.00068%); highest among the groups gnomAD compares: Non-Finnish European, 0.00093%; no homozygotes.

Submission:

Molecular Genetics, Royal Melbourne Hospital
Classification: Uncertain significance for Capillary malformation-arteriovenous malformation 2. Last evaluated: 2020-11-20. Review status: criteria provided, single submitter. Criteria: ACMG Guidelines, 2015. Collection method: clinical testing. Allele origin: germline.
Comment: This sequence change is predicted to replace arginine with tryptophan at codon 722 of the EPHB4 protein (p.(Arg722Trp)). The arginine residue is invariant across species (100 vertebrates, UCSC), and is located in a helical region in the protein kinase domain. There is a large physicochemical difference between arginine and tryptophan. The variant is absent in a large population cohort (gnomAD v2.1 and v3.0), and has not been reported in the relevant medical literature or databases. Multiple lines of computational evidence predict a deleterious effect for the missense substitution (4/6 algorithms). Based on the classification scheme RMH Modified ACMG Guidelines v1.3.0, this variant is classified as a VARIANT OF UNCERTAIN SIGNIFICANCE. Following criteria are met: PM2_Supporting, PP3.